The following is an entry in ClinVar:

ClinVar aggregate classification (germline): Benign/Likely benign. Review status: criteria provided, multiple submitters, no conflicts (2 of 4 stars). 5 submissions from 5 submitters: Benign (1); Likely benign (4). Last evaluated 2026-01-08.

Conditions:
Hereditary nonpolyposis colorectal neoplasms. Identifiers: MedGen C0009405, MeSH D003123.
Hereditary cancer-predisposing syndrome. Also called: Hereditary neoplastic syndrome; Hereditary Cancer Syndrome; Neoplastic Syndromes, Hereditary; Tumor predisposition. Identifiers: Orphanet 140162, MedGen C0027672, MeSH D009386, MONDO:0015356.
Lynch syndrome. Identifiers: Orphanet 144, MedGen C4552100, MONDO:0005835. Disease mechanism: loss of function.
Lynch syndrome 5 (LYNCH5). Also called: Colorectal cancer, hereditary nonpolyposis, type 5; Hereditary non-polyposis colorectal cancer, type 5. Identifiers: Orphanet 144, MedGen C1833477, MONDO:0013710, OMIM 614350. Disease mechanism: loss of function.

Allele frequency attached by ClinVar (database versions not stated): gnomAD 0.00001; TOPMed 0.00001.
gnomAD v4.1: 1 of 1,614,076 alleles (0.000062%); highest among the groups gnomAD compares: African/African-American, 0.0013%; no homozygotes.

Submissions (5):

Labcorp Genetics (formerly Invitae), Labcorp
Classification: Likely benign for Hereditary nonpolyposis colorectal neoplasms. Last evaluated: 2026-01-08. Review status: criteria provided, single submitter. Criteria: Invitae Variant Classification Sherloc (09022015). Collection method: clinical testing. Allele origin: germline.

Myriad Genetics, Inc.
Classification: Benign for Lynch syndrome 5. Last evaluated: 2024-12-27. Review status: criteria provided, single submitter. Criteria: Myriad Autosomal Dominant, Autosomal Recessive and X-Linked Classification Criteria (2023). Collection method: clinical testing. Allele origin: unknown.
Comment: This variant is considered benign. This variant is a silent/synonymous amino acid change and it is not expected to impact splicing.

All of Us Research Program, National Institutes of Health
Classification: Likely benign for Lynch syndrome. Last evaluated: 2023-06-08. Review status: criteria provided, single submitter. Criteria: ACMG Guidelines, 2015. Collection method: clinical testing. Allele origin: germline. Inheritance: Autosomal dominant inheritance. Observed: 2 variant alleles, 2 heterozygotes.
Comment: This study involves interpretation of variants in research participants for the purpose of population health screening. Participant phenotype was not available at the time of variant classification. Additional details can be found in publication PMID: 35346344, PMCID: PMC8962531

Color Diagnostics, LLC DBA Color Health
Classification: Likely benign for Hereditary cancer-predisposing syndrome. Last evaluated: 2019-05-14. Review status: criteria provided, single submitter. Criteria: ACMG Guidelines, 2015. Collection method: clinical testing. Allele origin: germline.

Ambry Genetics
Classification: Likely benign for Hereditary cancer-predisposing syndrome. Last evaluated: 2015-01-08. Review status: criteria provided, single submitter. Criteria: Ambry Variant Classification Scheme 2023. Collection method: clinical testing. Allele origin: germline.

NM_000179.3(MSH6):c.1713T>C (p.Gly571=)

Gene: MSH6 (mutS homolog 6; plus strand). Cytogenetic location: 2p16.3.
Variant type: single nucleotide variant.
Coding change: c.1713T>C on transcript NM_000179.3 (MANE Select); coding-DNA position 1713, T replaced by C.
Protein change: p.Gly571=; no amino-acid change (glycine 571 retained).
Molecular consequence: synonymous variant.
Genome position (GRCh38, 1-based): chr2:47,799,696, T>C. VCF-style: chr2-47799696-T-C. GRCh37 (hg19) VCF-style: chr2-48026835-T-C.
Other names: c.1323T>C, p.Gly441= (NM_001281492.2); c.807T>C, p.Gly269= (NM_001281493.2, NM_001281494.2).
Identifiers: ClinVar variation 229834 (VCV000229834.17), dbSNP rs781019496, ClinGen allele CA10578076.